The following is an entry in ClinVar:

ClinVar aggregate classification (germline): Uncertain significance (1 of 4 stars; one submission).

gnomAD v4.1: 1 of 1,614,116 alleles (0.000062%); no homozygotes.

Submission:

GeneDx
Classification: Uncertain significance. Last evaluated: 2023-06-22. Review status: criteria provided, single submitter. Criteria: GeneDx Variant Classification Process June 2021. Collection method: clinical testing. Allele origin: germline. Affected: yes.
Comment: Not observed at significant frequency in large population cohorts (gnomAD); In silico analysis supports that this missense variant has a deleterious effect on protein structure/function; Has not been previously published as pathogenic or benign to our knowledge

NM_000443.4(ABCB4):c.614G>T (p.Gly205Val)

Gene: ABCB4 (ATP binding cassette subfamily B member 4; minus strand). Cytogenetic location: 7q21.12.
Variant type: single nucleotide variant.
Coding change: c.614G>T on transcript NM_000443.4 (MANE Select); coding-DNA position 614, G replaced by T.
Protein change: p.Gly205Val; replaces glycine 205 with valine.
Molecular consequence: missense variant.
Genome position (GRCh38, 1-based): chr7:87,451,717, C>A on the plus strand (G>T on the coding strand, the complement: ABCB4 is on the minus strand). VCF-style: chr7-87451717-C-A. GRCh37 (hg19) VCF-style: chr7-87081033-C-A.
Other names: c.614G>T, p.Gly205Val (NM_018849.3, NM_018850.3); short protein forms G205V.
Identifiers: ClinVar variation 3360240 (VCV003360240.1).